The following is an entry in ClinVar:

ClinVar aggregate classification (germline): Likely benign (1 of 4 stars; one submission).

Conditions:
Autosomal recessive osteopetrosis 5. Identifiers: Orphanet 85179, MedGen C1968603, MONDO:0009817, OMIM 259720.

Allele frequency attached by ClinVar (database versions not stated): TOPMed 0.00057; gnomAD 0.00058 and 0.00088; 1000 Genomes Project 30x 0.00187; 1000 Genomes Project 0.00200.

Submission:

Illumina Laboratory Services, Illumina
Classification: Likely benign for Autosomal recessive osteopetrosis 5. Last evaluated: 2018-01-13. Review status: criteria provided, single submitter. Criteria: ICSL Variant Classification Criteria 13 December 2019. Collection method: clinical testing. Allele origin: germline.
Comment: This variant was observed in the ICSL laboratory as part of a predisposition screen in an ostensibly healthy population. It had not been previously curated by ICSL or reported in the Human Gene Mutation Database (HGMD: prior to June 1st, 2018), and was therefore a candidate for classification through an automated scoring system. Utilizing variant allele frequency, disease prevalence and penetrance estimates, and inheritance mode, an automated score was calculated to assess if this variant is too frequent to cause the disease. Based on the score and internal cut-off values, a variant classified as likely benign is not then subjected to further curation. The score for this variant resulted in a classification of likely benign for this disease.

NM_014028.4(OSTM1):c.*3192A>C

Gene: OSTM1 (osteoclastogenesis associated transmembrane protein 1; minus strand). Cytogenetic location: 6q21.
Variant type: single nucleotide variant.
Coding change: c.*3192A>C on transcript NM_014028.4 (MANE Select); 3192 bases downstream of the stop codon, A replaced by C.
Molecular consequence: 3 prime UTR variant.
Genome position (GRCh38, 1-based): chr6:108,041,593, T>G on the plus strand (A>C on the coding strand, the complement: OSTM1 is on the minus strand). VCF-style: chr6-108041593-T-G. GRCh37 (hg19) VCF-style: chr6-108362797-T-G.
Identifiers: ClinVar variation 354928 (VCV000354928.5), dbSNP rs185905869, ClinGen allele CA10625644.
Genomic context (GRCh38, chr6:108,041,593, plus strand): 5'-AGAGTTGTAACATTTTGGTGCTACATGTATAATTCAGCATAAGCCAAAGCCTTTTTAAAA[T>G]AACCAATACTATCATTTTATGAAATCTTTACAAGATAAGCACAGTAGTACAATATTTAAG-3'